The following is an entry in ClinVar:

NM_001375654.1(RP1):c.1183G>A (p.Glu395Lys)

Gene: RP1 (RP1 axonemal microtubule associated; plus strand). Cytogenetic location: 8q12.1.
Variant type: single nucleotide variant.
Coding change: c.1183G>A on transcript NM_001375654.1; coding-DNA position 1183, G replaced by A.
Protein change: p.Glu395Lys; replaces glutamic acid 395 with lysine.
Molecular consequence: missense variant.
Genome position (GRCh38, 1-based): chr8:54,663,710, G>A. VCF-style: chr8-54663710-G-A. GRCh37 (hg19) VCF-style: chr8-55576270-G-A.
Other names: short protein forms E395K.
Identifiers: ClinVar variation 4872611 (VCV004872611.2).

ClinVar aggregate classification (germline): Likely benign (1 of 4 stars; one submission).

gnomAD v4.1: 247 of 1,526,098 alleles (0.016%); highest among the groups gnomAD compares: South Asian, 0.091%; 1 homozygote.

Submission:

CeGaT Center for Human Genetics Tuebingen
Classification: Likely benign. Last evaluated: 2026-06-01. Review status: criteria provided, single submitter. Criteria: CeGaT Center For Human Genetics Tuebingen Variant Classification Criteria Version 2. Collection method: clinical testing. Allele origin: germline. Affected: yes. Observed: 1 variant allele.
Comment: RP1: BP4